The following is an entry in ClinVar:

ClinVar aggregate classification (germline): Uncertain significance (0 of 4 stars; one submission).

Conditions:
PLXNA2-related disorder. Also called: PLXNA2-related condition.

Submission:

PreventionGenetics, part of Exact Sciences
Classification: Uncertain significance for PLXNA2-related condition. Last evaluated: 2024-06-13. Review status: no assertion criteria provided. Collection method: clinical testing. Allele origin: germline.
Comment: The PLXNA2 c.5637_5657del21 variant is predicted to result in an in-frame deletion (p.Ala1880_Leu1886del). To our knowledge, this variant has not been reported in the literature or in a large population database, indicating this variant is rare. At this time, the clinical significance of this variant is uncertain due to the absence of conclusive functional and genetic evidence.

NM_025179.4(PLXNA2):c.5637_5657del (p.Ala1880_Leu1886del)

Gene: PLXNA2 (plexin A2; minus strand). Cytogenetic location: 1q32.2.
Variant type: Deletion.
Coding change: c.5637_5657del on transcript NM_025179.4 (MANE Select); coding-DNA positions 5637 to 5657, 21 bases deleted (GGCTTATAAGGTGGAGCAGCT).
Protein change: p.Ala1880_Leu1886del.
Molecular consequence: inframe deletion.
Genome position (GRCh38, 1-based): chr1:208,027,271-208,027,291, AGCTGCTCCACCTTATAAGCC deleted on the plus strand (GGCTTATAAGGTGGAGCAGCT on the coding strand, the reverse complement: PLXNA2 is on the minus strand); deleting any 21 consecutive bases within chr1:208,027,271-208,027,294 gives the same sequence; the c. name uses the placement nearest the transcript's 3' end. VCF-style (leftmost placement, unchanged base first): chr1-208027270-GAGCTGCTCCACCTTATAAGCC-G. GRCh37 (hg19) VCF-style: chr1-208200615-GAGCTGCTCCACCTTATAAGCC-G.
Identifiers: ClinVar variation 3345963 (VCV003345963.1).